The following is an entry in ClinVar:

ClinVar aggregate classification (germline): Uncertain significance (1 of 4 stars; one submission).

Allele frequency attached by ClinVar (database versions not stated): gnomAD 0.00001.
gnomAD v4.1: 71 of 1,609,426 alleles (0.0044%); highest among the groups gnomAD compares: Non-Finnish European, 0.0054%; no homozygotes.

Submission:

Labcorp Genetics (formerly Invitae), Labcorp
Classification: Uncertain significance. Last evaluated: 2026-01-06. Review status: criteria provided, single submitter. Criteria: Invitae Variant Classification Sherloc (09022015). Collection method: clinical testing. Allele origin: germline.
Comment: This sequence change replaces glycine, which is neutral and non-polar, with arginine, which is basic and polar, at codon 142 of the OAS1 protein (p.Gly142Arg). This variant is present in population databases (rs779611860, gnomAD 0.005%). This variant has not been reported in the literature in individuals affected with OAS1-related conditions. ClinVar contains an entry for this variant (Variation ID: 2729941). An algorithm developed to predict the effect of missense changes on protein structure and function outputs the following: PolyPhen-2: "Benign". The arginine amino acid residue is found in multiple mammalian species, which suggests that this missense change does not adversely affect protein function. In summary, the available evidence is currently insufficient to determine the role of this variant in disease. Therefore, it has been classified as a Variant of Uncertain Significance.

NM_016816.4(OAS1):c.424G>A (p.Gly142Arg)

Gene: OAS1 (2'-5'-oligoadenylate synthetase 1; plus strand). Cytogenetic location: 12q24.13.
Variant type: single nucleotide variant.
Coding change: c.424G>A on transcript NM_016816.4 (MANE Select); coding-DNA position 424, G replaced by A.
Protein change: p.Gly142Arg; replaces glycine 142 with arginine.
Molecular consequence: missense variant. On other transcripts: non-coding transcript variant (9), intron variant (4).
Genome position (GRCh38, 1-based): chr12:112,908,779, G>A. VCF-style: chr12-112908779-G-A. GRCh37 (hg19) VCF-style: chr12-113346584-G-A.
Other names: c.424G>A, p.Gly142Arg (NM_001032409.3, NM_001320151.2, NM_001406020.1 and 7 more transcripts); c.180+1560G>A (NM_001406030.1, NM_001406029.1, NM_001406027.1 and 1 more transcripts); short protein forms G142R.
Identifiers: ClinVar variation 2729941 (VCV002729941.3), dbSNP rs779611860, ClinGen allele CA6799764.